The following is an entry in ClinVar:

NM_001037333.3(CYFIP2):c.2281A>G (p.Ile761Val)

Gene: CYFIP2 (cytoplasmic FMR1 interacting protein 2; plus strand). Cytogenetic location: 5q33.3.
Variant type: single nucleotide variant.
Coding change: c.2281A>G on transcript NM_001037333.3 (MANE Select); coding-DNA position 2281, A replaced by G.
Protein change: p.Ile761Val; replaces isoleucine 761 with valine.
Molecular consequence: missense variant.
Genome position (GRCh38, 1-based): chr5:157,333,342, A>G. VCF-style: chr5-157333342-A-G. GRCh37 (hg19) VCF-style: chr5-156760350-A-G.
Other names: c.2281A>G (NM_001037333.1); c.2203A>G, p.Ile735Val (NM_001291721.2); c.2356A>G, p.Ile786Val (NM_001291722.2); c.2281A>G, p.Ile761Val (NM_014376.4); short protein forms I735V, I761V, I786V.
Identifiers: ClinVar variation 1562634 (VCV001562634.32), dbSNP rs549089526, ClinGen allele CA3533821.

ClinVar aggregate classification (germline): Conflicting classifications of pathogenicity. Review status: criteria provided, conflicting classifications (1 of 4 stars). 3 submissions from 3 submitters: Uncertain significance (1); Likely benign (2). Last evaluated 2025-12-26.

Conditions:
Inborn genetic diseases. Identifiers: MedGen C0950123, MeSH D030342.

Allele frequency attached by ClinVar (database versions not stated): ExAC 0.00002; gnomAD exomes 0.00003; TOPMed 0.00003; gnomAD 0.00005.
gnomAD v4.1: 55 of 1,613,778 alleles (0.0034%); highest among the groups gnomAD compares: African/African-American, 0.012%; no homozygotes.

Submissions (3):

Labcorp Genetics (formerly Invitae), Labcorp
Classification: Likely benign. Last evaluated: 2025-12-26. Review status: criteria provided, single submitter. Criteria: Invitae Variant Classification Sherloc (09022015). Collection method: clinical testing. Allele origin: germline.

Ambry Genetics
Classification: Likely benign for Inborn genetic diseases. Last evaluated: 2025-01-01. Review status: criteria provided, single submitter. Criteria: Ambry Variant Classification Scheme 2023. Collection method: clinical testing. Allele origin: germline.

CeGaT Center for Human Genetics Tuebingen
Classification: Uncertain significance. Last evaluated: 2022-03-01. Review status: criteria provided, single submitter. Criteria: CeGaT Center For Human Genetics Tuebingen Variant Classification Criteria Version 2. Collection method: clinical testing. Allele origin: germline. Affected: yes. Observed: 1 variant allele.
Comment: CYFIP2: PP2